The following is an entry in ClinVar:

NM_000179.3(MSH6):c.2319C>T (p.Leu773=)

Gene: MSH6 (mutS homolog 6; plus strand). Cytogenetic location: 2p16.3.
Variant type: single nucleotide variant.
Coding change: c.2319C>T on transcript NM_000179.3 (MANE Select); coding-DNA position 2319, C replaced by T.
Protein change: p.Leu773=; no amino-acid change (leucine 773 retained).
Molecular consequence: synonymous variant.
Genome position (GRCh38, 1-based): chr2:47,800,302, C>T. VCF-style: chr2-47800302-C-T. GRCh37 (hg19) VCF-style: chr2-48027441-C-T.
Other names: p.L773L:CTC>CTT; c.1929C>T, p.Leu643= (NM_001281492.2); c.1413C>T, p.Leu471= (NM_001281493.2, NM_001281494.2).
Identifiers: ClinVar variation 89269 (VCV000089269.64), dbSNP rs63749895, ClinGen allele CA010031.

ClinVar aggregate classification (germline): Likely benign. Review status: reviewed by expert panel (3 of 4 stars). 15 submissions from 15 submitters: Likely benign (1). 14 of the submissions do not count toward it. Last evaluated 2013-09-05.

Conditions:
Hereditary nonpolyposis colorectal neoplasms. Identifiers: MedGen C0009405, MeSH D003123.
Hereditary cancer-predisposing syndrome. Also called: Hereditary Cancer Syndrome; Tumor predisposition; Neoplastic Syndromes, Hereditary; Hereditary neoplastic syndrome. Identifiers: Orphanet 140162, MedGen C0027672, MeSH D009386, MONDO:0015356.
Lynch syndrome. Identifiers: Orphanet 144, MedGen C4552100, MONDO:0005835. Disease mechanism: loss of function.
Lynch syndrome 5 (LYNCH5). Also called: Hereditary non-polyposis colorectal cancer, type 5; Colorectal cancer, hereditary nonpolyposis, type 5. Identifiers: Orphanet 144, MedGen C1833477, MONDO:0013710, OMIM 614350. Disease mechanism: loss of function.

Allele frequency attached by ClinVar (database versions not stated): gnomAD 0.00003; TOPMed 0.00003; ExAC 0.00007.
gnomAD v4.1: 69 of 1,613,978 alleles (0.0043%); highest among the groups gnomAD compares: Admixed American, 0.02%; no homozygotes.

Submissions (15):

International Society for Gastrointestinal Hereditary Tumours (InSiGHT)
Classification: Likely benign for Lynch Syndrome. Last evaluated: 2013-09-05. Review status: reviewed by expert panel. Criteria: Guidelines v1.9. Collection method: research. Allele origin: germline.
Comment: Multifactorial likelihood analysis posterior probability 0.001-0.049

Classified with v1.9 guidelines

Labcorp Genetics (formerly Invitae), Labcorp
Classification: Benign for Hereditary nonpolyposis colorectal neoplasms. Last evaluated: 2026-01-27. Review status: criteria provided, single submitter. Criteria: Invitae Variant Classification Sherloc (09022015). Collection method: clinical testing. Allele origin: germline. Not counted in ClinVar's aggregate classification.

Molecular Diagnostics Laboratory, Catalan Institute of Oncology
Classification: Likely benign for Hereditary cancer-predisposing syndrome. Last evaluated: 2024-09-02. Review status: criteria provided, single submitter. Criteria: MMR VCEP Paper Draft V3.1. Collection method: clinical testing. Allele origin: germline. Not counted in ClinVar's aggregate classification.
Comment: BP4, BP7, BS4_Supporting c.2319C>T located in exon 4 of the MSH6 gene affects a non-conserved nucleotide, resulting in no amino acid change p.(Leu773=)(BP7). This variant is found in 23/267992 with a filtered frequency of 0.006% in the gnomAD v2.1.1 database (non-cancer data set). Computational tools for this variant suggests no significant impact on (BP4). The variant was classified as likely benign in the Insight database based on multifactorial likelihood analysis posterior probability (<0.01) and does not cosegregate with disease (LR=0.09)(BS4_Supporting). In addition, it has been reported in ClinVar (8x as likely benign, 3x as benign) and in LOVD (2x likely benign, 1x uncertain significance) databases. Based on currently available information, the variant c.2319C>T is classified as a likely benign variant according to ACMG guidelines.

All of Us Research Program, National Institutes of Health
Classification: Likely benign for Lynch syndrome. Last evaluated: 2024-08-29. Review status: criteria provided, single submitter. Criteria: ACMG Guidelines, 2015. Collection method: clinical testing. Allele origin: germline. Inheritance: Autosomal dominant inheritance. Observed: 19 variant alleles, 19 heterozygotes. Not counted in ClinVar's aggregate classification.
Comment: This study involves interpretation of variants in research participants for the purpose of population health screening. Participant phenotype was not available at the time of variant classification. Additional details can be found in publication PMID: 35346344, PMCID: PMC8962531

Blueprint Genetics
Classification: Likely benign. Last evaluated: 2024-04-04. Review status: criteria provided, single submitter. Criteria: ACMG Guidelines, 2015. Collection method: clinical testing. Allele origin: germline. Not counted in ClinVar's aggregate classification.

Myriad Genetics, Inc.
Classification: Benign for Lynch syndrome 5. Last evaluated: 2023-03-29. Review status: criteria provided, single submitter. Criteria: Myriad Autosomal Dominant, Autosomal Recessive and X-Linked Classification Criteria (2023). Collection method: clinical testing. Allele origin: unknown. Not counted in ClinVar's aggregate classification.
Comment: This variant is considered benign. This variant is a silent/synonymous amino acid change and it is not expected to impact splicing.

Color Diagnostics, LLC DBA Color Health
Classification: Likely benign for Hereditary cancer-predisposing syndrome. Last evaluated: 2022-01-01. Review status: criteria provided, single submitter. Criteria: ACMG Guidelines, 2015. Collection method: clinical testing. Allele origin: germline. Not counted in ClinVar's aggregate classification.

Sema4
Classification: Likely benign for Hereditary cancer-predisposing syndrome. Last evaluated: 2021-07-06. Review status: criteria provided, single submitter. Criteria: Sema4 Curation Guidelines. Collection method: curation. Allele origin: germline. Not counted in ClinVar's aggregate classification.

CeGaT Center for Human Genetics Tuebingen
Classification: Likely benign. Last evaluated: 2021-06-01. Review status: criteria provided, single submitter. Criteria: CeGaT Center For Human Genetics Tuebingen Variant Classification Criteria Version 2. Collection method: clinical testing. Allele origin: germline. Affected: yes. Observed: 1 variant allele. Not counted in ClinVar's aggregate classification.

Women's Health and Genetics/Laboratory Corporation of America, LabCorp
Classification: Likely benign. Last evaluated: 2018-08-09. Review status: criteria provided, single submitter. Criteria: LabCorp Variant Classification Summary - May 2015. Collection method: clinical testing. Allele origin: germline. Not counted in ClinVar's aggregate classification.
Comment: Variant summary: MSH6 c.2319C>T alters a non-conserved nucleotide resulting in a synonymous change. 5/5 computational tools predict no significant impact on normal splicing. However, these predictions have yet to be confirmed by functional studies. The variant allele was found at a frequency of 8.7e-05 in 277028 control chromosomes from all ethnicities, but was observed most frequently in the Latino subpopulation at a frequency of 0.00026 . This frequency is ~2x more frequent than expected for a pathogenic variant in MSH6 causing Lynch Syndrome (0.0026 vs. 0.00014), suggesting the variant may be benign. c.2319C>T has been reported in the literature in individuals affected with Lynch Syndrome and other cancers. In one family with four affected members, the variant was found only in the proband, showing a lack of segregation with disease and suggesting the variant is unlikely to be the cause of disease in this family (de Abajo_2005). To our knowledge, no experimental evidence demonstrating an impact on protein function has been reported. Four clinical diagnostic laboratories have submitted clinical-significance assessments for this variant to ClinVar after 2014 and all classified the variant as benign (2x) or likely benign (2x). Based on the evidence outlined above, the variant was classified as likely benign.

Quest Diagnostics Nichols Institute San Juan Capistrano
Classification: Likely benign. Last evaluated: 2018-01-15. Review status: criteria provided, single submitter. Criteria: Quest Diagnostics criteria. Collection method: clinical testing. Allele origin: germline. Not counted in ClinVar's aggregate classification.

PreventionGenetics, part of Exact Sciences
Classification: Likely benign. Last evaluated: 2017-10-20. Review status: criteria provided, single submitter. Criteria: ACMG Guidelines, 2015. Collection method: clinical testing. Allele origin: germline. Not counted in ClinVar's aggregate classification.

Ambry Genetics
Classification: Likely benign for Hereditary cancer-predisposing syndrome. Last evaluated: 2015-05-26. Review status: criteria provided, single submitter. Criteria: Ambry Variant Classification Scheme 2023. Collection method: clinical testing. Allele origin: germline. Not counted in ClinVar's aggregate classification.

GeneDx
Classification: Benign. Last evaluated: 2014-07-02. Review status: criteria provided, single submitter. Criteria: GeneDx Variant Classification (06012015). Collection method: clinical testing. Allele origin: germline. Affected: yes. Not counted in ClinVar's aggregate classification.
Comment: This variant is considered likely benign or benign based on one or more of the following criteria: it is a conservative change, it occurs at a poorly conserved position in the protein, it is predicted to be benign by multiple in silico algorithms, and/or has population frequency not consistent with disease.

Counsyl
Classification: Likely benign for Lynch syndrome 5. Last evaluated: 2016-02-03. Review status: no assertion criteria provided. Collection method: clinical testing. Allele origin: unknown. Not counted in ClinVar's aggregate classification.

Literature cited by the submitters: PubMed 16940983 (cited by Women's Health and Genetics/Laboratory Corporation of America, LabCorp and Ambry Genetics); PubMed 16270383 (cited by Women's Health and Genetics/Laboratory Corporation of America, LabCorp and Counsyl).